The following is an entry in ClinVar:

ClinVar aggregate classification (germline): Pathogenic (1 of 4 stars; one submission).

Conditions:
DEGCAGS syndrome. Also called: DEVELOPMENTAL DELAY WITH GASTROINTESTINAL, CARDIOVASCULAR, GENITOURINARY, AND SKELETAL ABNORMALITIES. Identifiers: MedGen C5561967, MONDO:0859181, OMIM 619488.

Submission:

Victorian Clinical Genetics Services, Murdoch Childrens Research Institute
Classification: Pathogenic for DEGCAGS syndrome. Last evaluated: 2023-07-17. Review status: criteria provided, single submitter. Criteria: ACMG Guidelines, 2015. Collection method: clinical testing. Allele origin: germline. Inheritance: Autosomal recessive inheritance. Affected: yes.
Comment: Based on the classification scheme VCGS_Germline_v1.3.4, this variant is classified as Pathogenic. Following criteria are met: 0102 - Loss of function is a likely mechanism of disease in this gene and is associated with DEGCAGS syndrome (MIM#619488). (I) 0106 - This gene is associated with autosomal recessive disease. (I) 0205 - Variant is predicted to result in a truncated protein (premature termination codon is NOT located at least 54 nucleotides upstream of the final exon-exon junction) with less than 1/3 of the protein sequence affected. (SP) 0252 - This variant is homozygous. (I) 0301 - Variant is absent from gnomAD (both v2 and v3). (SP) 0600 - Variant truncates four of the annotated zinc finger, C2H2 type domains (DECIPHER). (I) 0704 - Another downstream truncating variant comparable to the one identified in this case has limited previous evidence for pathogenicity. p.(Tyr542Profs*8) has been observed as homozygous in two individuals with multiple congenital malformations (PMID: 33875846). (SP) 0807 - This variant has no previous evidence of pathogenicity. (I) 0905 - No published segregation evidence has been identified for this variant. (I) 1007 - No published functional evidence has been identified for this variant. (I) 1102 - Strong phenotype match for this individual. (I) Legend: (SP) - Supporting pathogenic, (I) - Information, (SB) - Supporting benign

Literature cited by the submitters: PubMed 33875846.

NM_198535.3(ZNF699):c.1491_1492del (p.His497fs)

Gene: ZNF699 (zinc finger protein 699; minus strand). Cytogenetic location: 19p13.2.
Variant type: Microsatellite.
Coding change: c.1491_1492del on transcript NM_198535.3 (MANE Select); coding-DNA positions 1491 to 1492, 2 bases deleted (CA; older notation c.1491_1492delCA).
Protein change: p.His497fs; shifts the reading frame from histidine 497.
Molecular consequence: frameshift variant.
Genome position (GRCh38, 1-based): chr19:9,295,912-9,295,913, TG deleted on the plus strand (CA on the coding strand, the reverse complement: ZNF699 is on the minus strand); deleting any 2 consecutive bases within chr19:9,295,912-9,295,915 gives the same sequence; the c. name uses the placement nearest the transcript's 3' end. VCF-style (leftmost placement, unchanged base first): chr19-9295911-CTG-C. GRCh37 (hg19) VCF-style: chr19-9406587-CTG-C.
Other names: short protein forms H497fs.
Identifiers: ClinVar variation 3254948 (VCV003254948.1), dbSNP rs2513391263.